The following is an entry in ClinVar:

NM_031844.3(HNRNPU):c.1262A>G (p.Tyr421Cys)

Gene: HNRNPU (heterogeneous nuclear ribonucleoprotein U; minus strand). Cytogenetic location: 1q44.
Variant type: single nucleotide variant.
Coding change: c.1262A>G on transcript NM_031844.3 (MANE Select); coding-DNA position 1262, A replaced by G.
Protein change: p.Tyr421Cys; replaces tyrosine 421 with cysteine.
Molecular consequence: missense variant.
Genome position (GRCh38, 1-based): chr1:244,858,243, T>C on the plus strand (A>G on the coding strand, the complement: HNRNPU is on the minus strand). VCF-style: chr1-244858243-T-C. GRCh37 (hg19) VCF-style: chr1-245021545-T-C.
Other names: c.1205A>G, p.Tyr402Cys (NM_004501.3); short protein forms Y421C, Y402C.
Identifiers: ClinVar variation 2129820 (VCV002129820.4), dbSNP rs1331227775, ClinGen allele CA345492017.

ClinVar aggregate classification (germline): Uncertain significance (1 of 4 stars; one submission).

Conditions:
Developmental and epileptic encephalopathy, 54. Also called: Epileptic encephalopathy, early infantile, 54; HNRNPU-Related Neurodevelopmental Disorder. Identifiers: MedGen C4479319, MONDO:0033363, OMIM 617391.

Allele frequency attached by ClinVar (database versions not stated): gnomAD 0.00001; gnomAD exomes 0.00001.

Submission:

Labcorp Genetics (formerly Invitae), Labcorp
Classification: Uncertain significance for Developmental and epileptic encephalopathy, 54. Last evaluated: 2024-04-27. Review status: criteria provided, single submitter. Criteria: Invitae Variant Classification Sherloc (09022015). Collection method: clinical testing. Allele origin: germline.
Comment: This sequence change replaces tyrosine, which is neutral and polar, with cysteine, which is neutral and slightly polar, at codon 421 of the HNRNPU protein (p.Tyr421Cys). This variant is present in population databases (no rsID available, gnomAD 0.002%). This variant has not been reported in the literature in individuals affected with HNRNPU-related conditions. ClinVar contains an entry for this variant (Variation ID: 2129820). Advanced modeling of protein sequence and biophysical properties (such as structural, functional, and spatial information, amino acid conservation, physicochemical variation, residue mobility, and thermodynamic stability) performed at Invitae indicates that this missense variant is expected to disrupt HNRNPU protein function with a positive predictive value of 80%. In summary, the available evidence is currently insufficient to determine the role of this variant in disease. Therefore, it has been classified as a Variant of Uncertain Significance.